The following is an entry in ClinVar:

NM_006767.4(LZTR1):c.1616-5C>T

Gene: LZTR1 (leucine zipper like post translational regulator 1; plus strand). Cytogenetic location: 22q11.21.
Variant type: single nucleotide variant.
Coding change: c.1616-5C>T on transcript NM_006767.4 (MANE Select); 5 bases into the intron before coding-DNA position 1616, C replaced by T.
Molecular consequence: intron variant.
Genome position (GRCh38, 1-based): chr22:20,994,553, C>T. VCF-style: chr22-20994553-C-T. GRCh37 (hg19) VCF-style: chr22-21348842-C-T.
Identifiers: ClinVar variation 1588705 (VCV001588705.35), dbSNP rs201238759, ClinGen allele CA10119001.
Genomic context (GRCh38, chr22:20,994,553, plus strand): 5'-CCCTGCGCCCTGTGCCCTGCCCTCCCCTCTCCGGCTCCCTGAGATTCGGGGGCTCTGGGG[C>T]GCAGGCCATGTGGAGGATGTGCTGCTCATCATGGATGTGTACAAACTGGCACTGAGCTTC-3'

ClinVar aggregate classification (germline): Likely benign. Review status: criteria provided, multiple submitters, no conflicts (2 of 4 stars). 5 submissions from 5 submitters: Likely benign (4). 1 of the submissions does not count toward it. Last evaluated 2026-01-18.

Conditions:
Hereditary cancer-predisposing syndrome. Also called: Neoplastic Syndromes, Hereditary; Hereditary neoplastic syndrome; Tumor predisposition; Hereditary Cancer Syndrome. Identifiers: Orphanet 140162, MedGen C0027672, MeSH D009386, MONDO:0015356.
Cardiovascular phenotype. Identifiers: MedGen CN230736.
LZTR1-related disorder. Also called: LZTR1-related disorders; LZTR1-related condition.

Allele frequency attached by ClinVar (database versions not stated): gnomAD exomes 0.00003; ExAC 0.00004; gnomAD 0.00005 and 0.00006.
gnomAD v4.1: 39 of 1,607,402 alleles (0.0024%); highest among the groups gnomAD compares: African/African-American, 0.015%; no homozygotes.

Submissions (5):

Labcorp Genetics (formerly Invitae), Labcorp
Classification: Likely benign. Last evaluated: 2026-01-18. Review status: criteria provided, single submitter. Criteria: Invitae Variant Classification Sherloc (09022015). Collection method: clinical testing. Allele origin: germline.

Blueprint Genetics
Classification: Likely benign. Last evaluated: 2024-08-21. Review status: criteria provided, single submitter. Criteria: ACMG Guidelines, 2015. Collection method: clinical testing. Allele origin: germline.

Ambry Genetics
Classification: Likely benign for Cardiovascular phenotype; Hereditary cancer-predisposing syndrome. Last evaluated: 2022-10-06. Review status: criteria provided, single submitter. Criteria: Ambry Variant Classification Scheme 2023. Collection method: clinical testing. Allele origin: germline.

CeGaT Center for Human Genetics Tuebingen
Classification: Likely benign. Last evaluated: 2022-09-01. Review status: criteria provided, single submitter. Criteria: CeGaT Center For Human Genetics Tuebingen Variant Classification Criteria Version 2. Collection method: clinical testing. Allele origin: germline. Affected: yes. Observed: 1 variant allele.
Comment: LZTR1: BP4, BS2

PreventionGenetics, part of Exact Sciences
Classification: Likely benign for LZTR1-related condition. Last evaluated: 2024-05-08. Review status: no assertion criteria provided. Collection method: clinical testing. Allele origin: germline. Not counted in ClinVar's aggregate classification.
Comment: This variant is classified as likely benign based on ACMG/AMP sequence variant interpretation guidelines (Richards et al. 2015 PMID: 25741868, with internal and published modifications).